The following is an entry in ClinVar:

NM_000536.4(RAG2):c.898C>T (p.Arg300Cys)

Gene: RAG2 (recombination activating 2; minus strand). Cytogenetic location: 11p12.
Variant type: single nucleotide variant.
Coding change: c.898C>T on transcript NM_000536.4 (MANE Select); coding-DNA position 898, C replaced by T.
Protein change: p.Arg300Cys; replaces arginine 300 with cysteine.
Molecular consequence: missense variant.
Genome position (GRCh38, 1-based): chr11:36,593,271, G>A on the plus strand (C>T on the coding strand, the complement: RAG2 is on the minus strand). VCF-style: chr11-36593271-G-A. GRCh37 (hg19) VCF-style: chr11-36614821-G-A.
Other names: c.898C>T, p.Arg300Cys (NM_001243785.2, NM_001243786.2); short protein forms R300C.
Identifiers: ClinVar variation 858762 (VCV000858762.8), dbSNP rs746253611, ClinGen allele CA5950507.
Genomic context (GRCh38, chr11:36,593,271, plus strand): 5'-TTCCAAACCATATCTTGCTGTGCTTAATGTCTGGGGTCCAATCTGGGGTCTCCATCTCAC[G>A]AATTTCTATCTTGTTGTCCTCTAAAGAGATGATGTTGCAGATCATTCTTTTTTGATTTTC-3'
Protein context (NP_000527.2, residues 290-310): ISLEDNKIEI[Arg300Cys]EMETPDWTPD

ClinVar aggregate classification (germline): Uncertain significance. Review status: criteria provided, multiple submitters, no conflicts (2 of 4 stars). 3 submissions from 3 submitters: Uncertain significance (2). 1 of the submissions does not count toward it. Last evaluated 2024-07-14.

Conditions:
Inborn genetic diseases. Identifiers: MedGen C0950123, MeSH D030342.
Combined immunodeficiency with skin granulomas. Identifiers: Orphanet 157949, MedGen C2673536, MONDO:0009306, OMIM 233650.
Severe combined immunodeficiency, autosomal recessive, T cell-negative, B cell-negative, NK cell-positive. Also called: SCID, AR, T-cell negative, B-cell negative, NK cell-positive; SCID, T CELL-NEGATIVE, B CELL-NEGATIVE, NK CELL-POSITIVE; Severe combined immunodeficiency due to complete RAG1/2 deficiency. Identifiers: Orphanet 331206, MedGen C1832322, MONDO:0011086, OMIM 601457.
Histiocytic medullary reticulosis. Also called: SEVERE COMBINED IMMUNODEFICIENCY WITH HYPEREOSINOPHILIA; Omenn syndrome. Identifiers: Orphanet 39041, MedGen C2700553, MONDO:0011338, OMIM 603554.

Allele frequency attached by ClinVar (database versions not stated): ExAC 0.00002; gnomAD exomes 0.00002; gnomAD 0.00005 and 0.00006; TOPMed 0.00006.

Submissions (3):

Ambry Genetics
Classification: Uncertain significance for Inborn genetic diseases. Last evaluated: 2024-07-14. Review status: criteria provided, single submitter. Criteria: Ambry Variant Classification Scheme 2023. Collection method: clinical testing. Allele origin: germline.

Labcorp Genetics (formerly Invitae), Labcorp
Classification: Uncertain significance for Combined immunodeficiency with skin granulomas; Severe combined immunodeficiency, autosomal recessive, T cell-negative, B cell-negative, NK cell-positive. Last evaluated: 2021-09-01. Review status: criteria provided, single submitter. Criteria: Invitae Variant Classification Sherloc (09022015). Collection method: clinical testing. Allele origin: germline.
Comment: This sequence change replaces arginine with cysteine at codon 300 of the RAG2 protein (p.Arg300Cys). The arginine residue is weakly conserved and there is a large physicochemical difference between arginine and cysteine. This variant is present in population databases (rs746253611, ExAC 0.02%). This variant has not been reported in the literature in individuals affected with RAG2-related conditions. Algorithms developed to predict the effect of missense changes on protein structure and function output the following: SIFT: "Tolerated"; PolyPhen-2: "Benign"; Align-GVGD: "Class C0". The cysteine amino acid residue is found in multiple mammalian species, which suggests that this missense change does not adversely affect protein function. In summary, the available evidence is currently insufficient to determine the role of this variant in disease. Therefore, it has been classified as a Variant of Uncertain Significance.

Natera, Inc.
Classification: Uncertain significance for Omenn syndrome. Last evaluated: 2020-03-10. Review status: no assertion criteria provided. Collection method: clinical testing. Allele origin: germline. Not counted in ClinVar's aggregate classification.